The following is an entry in ClinVar:

NM_000057.4(BLM):c.1894C>A (p.Gln632Lys)

Gene: BLM (BLM RecQ like helicase; plus strand). Cytogenetic location: 15q26.1.
Variant type: single nucleotide variant.
Coding change: c.1894C>A on transcript NM_000057.4 (MANE Select); coding-DNA position 1894, C replaced by A.
Protein change: p.Gln632Lys; replaces glutamine 632 with lysine.
Molecular consequence: missense variant.
Genome position (GRCh38, 1-based): chr15:90,762,977, C>A. VCF-style: chr15-90762977-C-A. GRCh37 (hg19) VCF-style: chr15-91306207-C-A.
Other names: c.1894C>A, p.Gln632Lys (NM_001287246.2, NM_001287247.2); c.769C>A, p.Gln257Lys (NM_001287248.2); short protein forms Q632K, Q257K.
Identifiers: ClinVar variation 524763 (VCV000524763.9), dbSNP rs746857727, ClinGen allele CA393844084.

ClinVar aggregate classification (germline): Uncertain significance (1 of 4 stars; one submission).

Conditions:
Bloom syndrome (BLM). Also called: Bloom-Torre-Machacek syndrome. Identifiers: Orphanet 125, MedGen C0005859, MONDO:0008876, OMIM 210900.

Submission:

Labcorp Genetics (formerly Invitae), Labcorp
Classification: Uncertain significance for Bloom syndrome. Last evaluated: 2021-01-23. Review status: criteria provided, single submitter. Criteria: Invitae Variant Classification Sherloc (09022015). Collection method: clinical testing. Allele origin: germline.
Comment: This sequence change replaces glutamine with lysine at codon 632 of the BLM protein (p.Gln632Lys). The glutamine residue is weakly conserved and there is a small physicochemical difference between glutamine and lysine. This variant is not present in population databases (ExAC no frequency). This variant has not been reported in the literature in individuals with BLM-related disease. Algorithms developed to predict the effect of missense changes on protein structure and function (SIFT, PolyPhen-2, Align-GVGD) all suggest that this variant is likely to be tolerated, but these predictions have not been confirmed by published functional studies and their clinical significance is uncertain. In summary, the available evidence is currently insufficient to determine the role of this variant in disease. Therefore, it has been classified as a Variant of Uncertain Significance.